The following is an entry in ClinVar:

NM_001039213.4(CEACAM16):c.1114G>A (p.Ala372Thr)

Genes: CEACAM16 (CEA cell adhesion molecule 16, tectorial membrane component; plus strand), CEACAM16-AS1 (CEACAM16, CEACAM19 and PVR antisense RNA 1; minus strand). Cytogenetic location: 19q13.32.
Variant type: single nucleotide variant.
Coding change: c.1114G>A on transcript NM_001039213.4 (MANE Select); coding-DNA position 1114, G replaced by A.
Protein change: p.Ala372Thr; replaces alanine 372 with threonine.
Molecular consequence: missense variant.
Genome position (GRCh38, 1-based): chr19:44,708,034, G>A. VCF-style: chr19-44708034-G-A. GRCh37 (hg19) VCF-style: chr19-45211306-G-A.
Other names: c.1114G>A (NM_001039213.2); short protein forms A372T.
Identifiers: ClinVar variation 1981180 (VCV001981180.5), dbSNP rs752473294, ClinGen allele CA9503234.
Genomic context (GRCh38, chr19:44,708,034, plus strand): 5'-CGCGGGCCTGCCTCCGAGCCCAACCGGCTGCTCAGCCAGCTGCCGTCAGGAACCTGGATT[G>A]CAGGCCCCGCGCACACAGGCCGGGAGGTGGGCTTCCCCAACTGCTCGCTGTTGGTGCAGA-3'
Protein context (NP_001034302.2, residues 362-382): LSQLPSGTWI[Ala372Thr]GPAHTGREVG

ClinVar aggregate classification (germline): Uncertain significance. Review status: criteria provided, multiple submitters, no conflicts (2 of 4 stars). 2 submissions from 2 submitters: Uncertain significance (2). Last evaluated 2025-01-19.

Conditions:
Inborn genetic diseases. Identifiers: MedGen C0950123, MeSH D030342.

Allele frequency attached by ClinVar (database versions not stated): gnomAD exomes below 0.00001; ExAC 0.00001.
gnomAD v4.1: 2 of 1,612,210 alleles (0.00012%); highest among the groups gnomAD compares: Admixed American, 0.0033%; no homozygotes.

Submissions (2):

Ambry Genetics
Classification: Uncertain significance for Inborn genetic diseases. Last evaluated: 2025-01-19. Review status: criteria provided, single submitter. Criteria: Ambry Variant Classification Scheme 2023. Collection method: clinical testing. Allele origin: germline.

Labcorp Genetics (formerly Invitae), Labcorp
Classification: Uncertain significance. Last evaluated: 2024-10-22. Review status: criteria provided, single submitter. Criteria: Invitae Variant Classification Sherloc (09022015). Collection method: clinical testing. Allele origin: germline.
Comment: This sequence change replaces alanine, which is neutral and non-polar, with threonine, which is neutral and polar, at codon 372 of the CEACAM16 protein (p.Ala372Thr). The frequency data for this variant in the population databases is considered unreliable, as metrics indicate poor data quality at this position in the gnomAD database. This variant has not been reported in the literature in individuals affected with CEACAM16-related conditions. ClinVar contains an entry for this variant (Variation ID: 1981180). An algorithm developed to predict the effect of missense changes on protein structure and function (PolyPhen-2) suggests that this variant is likely to be disruptive. In summary, the available evidence is currently insufficient to determine the role of this variant in disease. Therefore, it has been classified as a Variant of Uncertain Significance.